The following is an entry in ClinVar:

ClinVar aggregate classification (germline): Benign. Review status: criteria provided, multiple submitters, no conflicts (2 of 4 stars). 2 submissions from 2 submitters: Benign (2). Last evaluated 2016-03-29.

Allele frequency attached by ClinVar (database versions not stated): gnomAD exomes 0.07177 and 0.07641; ExAC 0.07422; 1000 Genomes Project 0.07628; 1000 Genomes Project 30x 0.08167; gnomAD 0.09875 and 0.10343; TOPMed 0.10602; ESP Exome Variant Server 0.11241.
gnomAD v4.1: 127,063 of 1,612,986 alleles (7.9%); highest among the groups gnomAD compares: African/African-American, 17%; 5,749 homozygotes.

Submissions (2):

Laboratory for Molecular Medicine, Mass General Brigham Personalized Medicine
Classification: Benign. Last evaluated: 2016-03-29. Review status: criteria provided, single submitter. Criteria: LMM Criteria. Collection method: clinical testing. Allele origin: germline.
Comment: Variant identified in a genome or exome case(s) and assessed due to predicted null impact of the variant or pathogenic assertions in the literature or databases. Disclaimer: This variant has not undergone full assessment. The following are preliminary notes: Frequency

Breakthrough Genomics
Classification: Benign. Review status: criteria provided, single submitter. Criteria: ACMG Guidelines, 2015. Collection method: not provided. Allele origin: germline. Inheritance: Unknown mechanism. Affected: yes.

NM_052934.4(SLC26A9):c.2243A>G (p.His748Arg)

Gene: SLC26A9 (solute carrier family 26 member 9; minus strand). Cytogenetic location: 1q32.1.
Variant type: single nucleotide variant.
Coding change: c.2243A>G on transcript NM_052934.4 (MANE Select); coding-DNA position 2243, A replaced by G.
Protein change: p.His748Arg; replaces histidine 748 with arginine.
Molecular consequence: missense variant.
Genome position (GRCh38, 1-based): chr1:205,918,853, T>C on the plus strand (A>G on the coding strand, the complement: SLC26A9 is on the minus strand). VCF-style: chr1-205918853-T-C. GRCh37 (hg19) VCF-style: chr1-205887981-T-C.
Other names: c.2243A>G, p.His748Arg (NM_134325.3); short protein forms H748R.
Identifiers: ClinVar variation 403452 (VCV000403452.5), dbSNP rs16856462, ClinGen allele CA1358270.
Genomic context (GRCh38, chr1:205,918,853, plus strand): 5'-ATTTCAGTGCCTTGGAGCCTAGGATTCCCCAGGTGCAAGAACCTTACCCCTTGGAAGTTG[T>C]GTCCTGGGGTCACGTCTCTAGCATTTGCCTGGGCAAAGAGGACTGCGTCATGTATGCTGG-3'
Protein context (NP_443166.1, residues 738-758): QANARDVTPG[His748Arg]NFQGAPGDAE